The following is an entry in ClinVar:

ClinVar aggregate classification (germline): Conflicting classifications of pathogenicity. Review status: criteria provided, conflicting classifications (1 of 4 stars). 3 submissions from 3 submitters: Likely pathogenic (2); Uncertain significance (1). Last evaluated 2026-09-02.

Conditions:
Glycogen phosphorylase kinase deficiency. Also called: Phosphorylase Kinase Deficiency; Glycogen Storage Disease Type IX. Identifiers: Orphanet 370, MedGen C0268147, MONDO:0700291.
Glycogen storage disease IXa1. Also called: LIVER GLYCOGENOSIS, X-LINKED, TYPE I; Glycogen storage disease 8; GLYCOGEN STORAGE DISEASE VIII; GSD VIII. Identifiers: Orphanet 264580, MedGen C3694531, MONDO:0010598, OMIM 306000.

Allele frequency attached by ClinVar (database versions not stated): TOPMed 0.00001.

Submissions (3):

GeneDx
Classification: Likely pathogenic. Last evaluated: 2026-09-02. Review status: criteria provided, single submitter. Criteria: GeneDx Variant Classification Process June 2021. Collection method: clinical testing. Allele origin: germline.
Comment: Canonical splice site variant predicted to result in an in-frame loss of the adjacent exon in a gene for which loss of function is a known mechanism of disease; Not observed at significant frequency in large population cohorts (gnomAD); Has not been previously published as pathogenic or benign to our knowledge

Women's Health and Genetics/Laboratory Corporation of America, LabCorp
Classification: Likely pathogenic for Glycogen phosphorylase kinase deficiency. Last evaluated: 2025-08-04. Review status: criteria provided, single submitter. Criteria: LabCorp Variant Classification Summary - May 2015. Collection method: clinical testing. Allele origin: germline.
Comment: Variant summary: PHKA2 c.3058-1G>A is located in a canonical splice-site and is predicted to affect mRNA splicing resulting in a significantly altered protein due to either exon skipping, shortening, or inclusion of intronic material. Variants that disrupt the consensus splice site are a relatively common cause of aberrant splicing and loss of PHKA2 function. Several computational tools predict a significant impact on normal splicing: Four predict the variant abolishes a canonical 3' acceptor site. However, these predictions have yet to be confirmed by functional studies. The variant was absent in 182670 control chromosomes. To our knowledge, no occurrence of c.3058-1G>A in individuals affected with Glycogen Phosphorylase Kinase Deficiency and no experimental evidence demonstrating its impact on protein function have been reported. ClinVar contains an entry for this variant (Variation ID: 1321456). Based on the evidence outlined above, the variant was classified as likely pathogenic.

Revvity Omics, Revvity
Classification: Uncertain significance for Glycogen storage disease IXa1. Last evaluated: 2025-07-25. Review status: criteria provided, single submitter. Criteria: ACMG Guidelines, 2015. Collection method: clinical testing. Allele origin: germline.

NM_000292.3(PHKA2):c.3058-1G>A

Gene: PHKA2 (phosphorylase kinase regulatory subunit alpha 2; minus strand). Cytogenetic location: Xp22.13.
Variant type: single nucleotide variant.
Coding change: c.3058-1G>A on transcript NM_000292.3 (MANE Select); the canonical splice acceptor site of the intron before coding-DNA position 3058, G replaced by A.
Molecular consequence: splice acceptor variant.
Genome position (GRCh38, 1-based): chrX:18,899,227, C>T on the plus strand (G>A on the coding strand, the complement: PHKA2 is on the minus strand). VCF-style: chrX-18899227-C-T. GRCh37 (hg19) VCF-style: chrX-18917345-C-T.
Identifiers: ClinVar variation 1321456 (VCV001321456.5), dbSNP rs751364453, ClinGen allele CA327030658.